The following is an entry in ClinVar:

ClinVar aggregate classification (germline): Uncertain significance (1 of 4 stars; one submission).

Conditions:
BBS9-related disorder. Also called: BBS9-related condition.

Submission:

PreventionGenetics, part of Exact Sciences
Classification: Uncertain significance for BBS9-related condition. Last evaluated: 2024-12-30. Review status: criteria provided, single submitter. Criteria: ACMG Guidelines, 2015. Collection method: clinical testing. Allele origin: germline.
Comment: The BBS9 c.2030A>C variant is predicted to result in the amino acid substitution p.Gln677Pro. To our knowledge, this variant has not been reported in the literature or in a large population database (gnomAD), indicating this variant is rare. At this time, the clinical significance of this variant is uncertain due to the absence of conclusive functional and genetic evidence.

NM_198428.3(BBS9):c.2030A>C (p.Gln677Pro)

Gene: BBS9 (Bardet-Biedl syndrome 9; plus strand). Cytogenetic location: 7p14.3.
Variant type: single nucleotide variant.
Coding change: c.2030A>C on transcript NM_198428.3 (MANE Select); coding-DNA position 2030, A replaced by C.
Protein change: p.Gln677Pro; replaces glutamine 677 with proline.
Molecular consequence: missense variant. On other transcripts: non-coding transcript variant (3).
Genome position (GRCh38, 1-based): chr7:33,388,059, A>C. VCF-style: chr7-33388059-A-C. GRCh37 (hg19) VCF-style: chr7-33427671-A-C.
Other names: c.1925A>C, p.Gln642Pro (NM_001033604.2); c.2015A>C, p.Gln672Pro (NM_001033605.2); c.2030A>C, p.Gln677Pro (NM_001348036.1, NM_001348041.4, NM_001348043.3 and 1 more transcripts); c.1664A>C, p.Gln555Pro (NM_001348037.3, NM_001348045.3, NM_001348046.3); c.1757A>C, p.Gln586Pro (NM_001348038.3); c.1652A>C, p.Gln551Pro (NM_001348039.3); c.1910A>C, p.Gln637Pro (NM_001348040.3, NM_014451.4); c.1895A>C, p.Gln632Pro (NM_001348042.3); and 1 more; short protein forms Q551P, Q672P, Q637P, Q520P, Q642P, Q677P, Q555P, Q586P.
Identifiers: ClinVar variation 4996796 (VCV004996796.1).
Genomic context (GRCh38, chr7:33,388,059, plus strand): 5'-TAAATGGTGAAAAATTAGAAGAACTCTTATCTGAGAGAGCTGTACAATTTCGGGCCATTC[A>C]ACGCCGGCTACTAGCAAGATTCAAAGATAAAACTCCTGCCCCTCTTCAACACCTGGACAC-3'
Protein context (NP_940820.1, residues 667-687): SERAVQFRAI[Gln677Pro]RRLLARFKDK